The following is an entry in ClinVar:

ClinVar aggregate classification (germline): Pathogenic/Likely pathogenic. Review status: criteria provided, multiple submitters, no conflicts (2 of 4 stars). 2 submissions from 2 submitters: Pathogenic (1); Likely pathogenic (1). Last evaluated 2022-09-01.

Conditions:
Gnathodiaphyseal dysplasia (GDD). Also called: GNATHODIAPHYSEAL SCLEROSIS; OSTEOGENESIS IMPERFECTA WITH UNUSUAL SKELETAL LESIONS. Identifiers: Orphanet 53697, MedGen C1833736, MONDO:0008151, OMIM 166260.
Autosomal recessive limb-girdle muscular dystrophy type 2L (LGMDR12). Also called: MUSCULAR DYSTROPHY, LIMB-GIRDLE, AUTOSOMAL RECESSIVE 12; Limb-girdle muscular dystrophy, type 2L; Limb-Girdle Muscular Dystrophy R12 Anoctamin-5-Related (LGMD-R12). Identifiers: Orphanet 206549, MedGen C1969785, MONDO:0012652, OMIM 611307.

Allele frequency attached by ClinVar (database versions not stated): gnomAD exomes below 0.00001; TOPMed 0.00001.
gnomAD v4.1: 5 of 1,614,160 alleles (0.00031%); highest among the groups gnomAD compares: Non-Finnish European, 0.00042%; no homozygotes.

Submissions (2):

Labcorp Genetics (formerly Invitae), Labcorp
Classification: Pathogenic for Autosomal recessive limb-girdle muscular dystrophy type 2L; Gnathodiaphyseal dysplasia. Last evaluated: 2022-09-01. Review status: criteria provided, single submitter. Criteria: Invitae Variant Classification Sherloc (09022015). Collection method: clinical testing. Allele origin: germline.
Comment: For these reasons, this variant has been classified as Pathogenic. Advanced modeling of protein sequence and biophysical properties (such as structural, functional, and spatial information, amino acid conservation, physicochemical variation, residue mobility, and thermodynamic stability) performed at Invitae indicates that this missense variant is expected to disrupt ANO5 protein function. ClinVar contains an entry for this variant (Variation ID: 432005). This missense change has been observed in individual(s) with limb-girdle muscular dystrophy (PMID: 23607914). In at least one individual the data is consistent with being in trans (on the opposite chromosome) from a pathogenic variant. It has also been observed to segregate with disease in related individuals. This variant is not present in population databases (gnomAD no frequency). This sequence change replaces tyrosine, which is neutral and polar, with cysteine, which is neutral and slightly polar, at codon 652 of the ANO5 protein (p.Tyr652Cys).

GeneDx
Classification: Likely pathogenic. Last evaluated: 2016-03-16. Review status: criteria provided, single submitter. Criteria: GeneDx Variant Classification (06012015). Collection method: clinical testing. Allele origin: germline. Affected: yes.
Comment: The Y652C variant has been previously reported in two compound heterozygous siblings with limb-girdle muscular dystrophy (van der Kooi et al., 2013). It was not observed in approximately 6,500 individuals of European and African American ancestry in the NHLBI Exome Sequencing Project, indicating it is not a common benign variant in these populations. The Y652C variant is a non-conservative amino acid substitution, which is likely to impact secondary protein structure as these residues differ in polarity, charge, size and/or other properties. Additionally, this substitution occurs at a position that is conserved across species. However, in silico analysis is inconsistent in its predictions as to whether or not the variant is damaging to the protein structure/function. Therefore, this variant is likely pathogenic; however, the possibility that it is benign cannot be excluded.

Literature cited by the submitters: PubMed 23607914 (cited by Labcorp Genetics (formerly Invitae), Labcorp).

NM_213599.3(ANO5):c.1955A>G (p.Tyr652Cys)

Gene: ANO5 (anoctamin 5; plus strand). Cytogenetic location: 11p14.3.
Variant type: single nucleotide variant.
Coding change: c.1955A>G on transcript NM_213599.3 (MANE Select); coding-DNA position 1955, A replaced by G.
Protein change: p.Tyr652Cys; replaces tyrosine 652 with cysteine.
Molecular consequence: missense variant.
Genome position (GRCh38, 1-based): chr11:22,270,368, A>G. VCF-style: chr11-22270368-A-G. GRCh37 (hg19) VCF-style: chr11-22291914-A-G.
Other names: c.1952A>G, p.Tyr651Cys (NM_001142649.2); short protein forms Y652C, Y651C.
Identifiers: ClinVar variation 432005 (VCV000432005.13), dbSNP rs563666662, ClinGen allele CA218774174.
Genomic context (GRCh38, chr11:22,270,368, plus strand): 5'-ACAGCTTGGCTTTGAATTGGTGGAGACGCCGAAAAGCTCGGACAAACTCTGAGAAGCTGT[A>G]TAGTCGATGGGAGCAGGATCATGACCTTGAAAGTTTTGGACCCCTTGGGCTTTTCTATGA-3'
Protein context (NP_998764.1, residues 642-662): RKARTNSEKL[Tyr652Cys]SRWEQDHDLE